The following is an entry in ClinVar:

ClinVar aggregate classification (germline): Benign/Likely benign. Review status: criteria provided, multiple submitters, no conflicts (2 of 4 stars). 3 submissions from 3 submitters: Benign (1); Likely benign (1). 1 of the submissions does not count toward it. Last evaluated 2026-01-26.

Conditions:
PLVAP-related disorder. Also called: PLVAP-related condition.

Allele frequency attached by ClinVar (database versions not stated): ESP Exome Variant Server 0.00246; gnomAD 0.00266; 1000 Genomes Project 30x 0.00312; 1000 Genomes Project 0.00319.
gnomAD v4.1: 883 of 1,614,024 alleles (0.055%); highest among the groups gnomAD compares: African/African-American, 0.91%; 3 homozygotes.

Submissions (3):

Labcorp Genetics (formerly Invitae), Labcorp
Classification: Benign. Last evaluated: 2026-01-26. Review status: criteria provided, single submitter. Criteria: Invitae Variant Classification Sherloc (09022015). Collection method: clinical testing. Allele origin: germline.

CeGaT Center for Human Genetics Tuebingen
Classification: Likely benign. Last evaluated: 2023-11-01. Review status: criteria provided, single submitter. Criteria: CeGaT Center For Human Genetics Tuebingen Variant Classification Criteria Version 2. Collection method: clinical testing. Allele origin: germline. Affected: yes. Observed: 1 variant allele.
Comment: PLVAP: BP4, BP7, BS2

PreventionGenetics, part of Exact Sciences
Classification: Benign for PLVAP-related condition. Last evaluated: 2019-07-29. Review status: no assertion criteria provided. Collection method: clinical testing. Allele origin: germline. Not counted in ClinVar's aggregate classification.
Comment: This variant is classified as benign based on ACMG/AMP sequence variant interpretation guidelines (Richards et al. 2015 PMID: 25741868, with internal and published modifications).

NM_031310.3(PLVAP):c.579G>C (p.Ala193=)

Gene: PLVAP (plasmalemma vesicle associated protein; minus strand). Cytogenetic location: 19p13.11.
Variant type: single nucleotide variant.
Coding change: c.579G>C on transcript NM_031310.3 (MANE Select); coding-DNA position 579, G replaced by C.
Protein change: p.Ala193=; no amino-acid change (alanine 193 retained).
Molecular consequence: synonymous variant.
Genome position (GRCh38, 1-based): chr19:17,365,886, C>G on the plus strand (G>C on the coding strand, the complement: PLVAP is on the minus strand). VCF-style: chr19-17365886-C-G. GRCh37 (hg19) VCF-style: chr19-17476695-C-G.
Other names: c.579G>C (NM_031310.2).
Identifiers: ClinVar variation 2050868 (VCV002050868.28), dbSNP rs149362987, ClinGen allele CA9294008.
Genomic context (GRCh38, chr19:17,365,886, plus strand): 5'-CAGCTGGCGCTCTTGGTGCTGCAGCTCCCGGGTTTTCACGCATTCAACCAGCTGTTCCTC[C>G]GCCACGCGTTTGTTCAGCAGCACGCTTTCCTTATCCTTAGTGCAAATGGTCTTCTCCTTG-3'
Protein context (NP_112600.1, residues 183-203): KESVLLNKRV[Ala193=]EEQLVECVKT